The following is an entry in ClinVar:

ClinVar aggregate classification (germline): Uncertain significance (1 of 4 stars; one submission).

Conditions:
Hereditary cancer-predisposing syndrome. Also called: Neoplastic Syndromes, Hereditary; Tumor predisposition; Hereditary neoplastic syndrome; Hereditary Cancer Syndrome. Identifiers: Orphanet 140162, MedGen C0027672, MeSH D009386, MONDO:0015356.

Submission:

Ambry Genetics
Classification: Uncertain significance for Hereditary cancer-predisposing syndrome. Last evaluated: 2019-07-18. Review status: criteria provided, single submitter. Criteria: Ambry Variant Classification Scheme 2023. Collection method: clinical testing. Allele origin: germline.
Comment: The p.N1138K variant (also known as c.3414T>A), located in coding exon 20 of the DICER1 gene, results from a T to A substitution at nucleotide position 3414. The asparagine at codon 1138 is replaced by lysine, an amino acid with similar properties. This amino acid position is not well conserved in available vertebrate species. In addition, this alteration is predicted to be tolerated by in silico analysis. Since supporting evidence is limited at this time, the clinical significance of this alteration remains unclear.

NM_177438.3(DICER1):c.3414T>A (p.Asn1138Lys)

Gene: DICER1 (dicer 1, ribonuclease III; minus strand). Cytogenetic location: 14q32.13.
Variant type: single nucleotide variant.
Coding change: c.3414T>A on transcript NM_177438.3 (MANE Select); coding-DNA position 3414, T replaced by A.
Protein change: p.Asn1138Lys; replaces asparagine 1138 with lysine.
Molecular consequence: missense variant.
Genome position (GRCh38, 1-based): chr14:95,103,982, A>T on the plus strand (T>A on the coding strand, the complement: DICER1 is on the minus strand). VCF-style: chr14-95103982-A-T. GRCh37 (hg19) VCF-style: chr14-95570319-A-T.
Other names: c.3414T>A, p.Asn1138Lys (NM_001195573.1, NM_001271282.3, NM_001291628.2 and 1 more transcripts); short protein forms N1138K.
Identifiers: ClinVar variation 823744 (VCV000823744.4), dbSNP rs1248977051, ClinGen allele CA390875540.